The following is an entry in ClinVar:

ClinVar aggregate classification (germline): Uncertain significance (1 of 4 stars; one submission).

Conditions:
KIDINS220-related disorder. Also called: KIDINS220-related condition.

Submission:

PreventionGenetics, part of Exact Sciences
Classification: Uncertain significance for KIDINS220-related condition. Last evaluated: 2026-01-21. Review status: criteria provided, single submitter. Criteria: ACMG Guidelines, 2015. Collection method: clinical testing. Allele origin: germline.
Comment: The KIDINS220 c.1682G>C variant is predicted to result in the amino acid substitution p.Ser561Thr. To our knowledge, this variant has not been reported in the literature or in a large population database (gnomAD), indicating this variant is rare. At this time, the clinical significance of this variant is uncertain due to the absence of conclusive functional and genetic evidence.

NM_020738.4(KIDINS220):c.1682G>C (p.Ser561Thr)

Gene: KIDINS220 (kinase D interacting substrate 220; minus strand). Cytogenetic location: 2p25.1.
Variant type: single nucleotide variant.
Coding change: c.1682G>C on transcript NM_020738.4 (MANE Select); coding-DNA position 1682, G replaced by C.
Protein change: p.Ser561Thr; replaces serine 561 with threonine.
Molecular consequence: missense variant. On other transcripts: non-coding transcript variant (2).
Genome position (GRCh38, 1-based): chr2:8,788,752, C>G on the plus strand (G>C on the coding strand, the complement: KIDINS220 is on the minus strand). VCF-style: chr2-8788752-C-G. GRCh37 (hg19) VCF-style: chr2-8928882-C-G.
Other names: c.1685G>C, p.Ser562Thr (NM_001348729.2, NM_001348731.2, NM_001348734.2 and 3 more transcripts); c.1682G>C, p.Ser561Thr (NM_001348732.2, NM_001348735.2, NM_001348738.2 and 3 more transcripts); c.1556G>C, p.Ser519Thr (NM_001348736.2); short protein forms S519T, S561T, S562T.
Identifiers: ClinVar variation 4984419 (VCV004984419.1).